The following is an entry in ClinVar:

ClinVar aggregate classification (germline): Likely benign (0 of 4 stars; one submission).

Conditions:
NRTN-related disorder. Also called: NRTN-related condition.

Submission:

PreventionGenetics, part of Exact Sciences
Classification: Likely benign for NRTN-related condition. Last evaluated: 2024-06-05. Review status: no assertion criteria provided. Collection method: clinical testing. Allele origin: germline.
Comment: This variant is classified as likely benign based on ACMG/AMP sequence variant interpretation guidelines (Richards et al. 2015 PMID: 25741868, with internal and published modifications).

NM_004558.5(NRTN):c.292T>C (p.Leu98=)

Gene: NRTN (neurturin; plus strand). Cytogenetic location: 19p13.3.
Variant type: single nucleotide variant.
Coding change: c.292T>C on transcript NM_004558.5 (MANE Select); coding-DNA position 292, T replaced by C.
Protein change: p.Leu98=; no amino-acid change (leucine 98 retained).
Molecular consequence: synonymous variant.
Genome position (GRCh38, 1-based): chr19:5,827,871, T>C. VCF-style: chr19-5827871-T-C. GRCh37 (hg19) VCF-style: chr19-5827882-T-C.
Identifiers: ClinVar variation 3353028 (VCV003353028.1).